The following is an entry in ClinVar:

NM_000085.5(CLCNKB):c.774C>A (p.Ser258Arg)

Genes: CLCNKB (chloride voltage-gated channel Kb; plus strand), LOC106501713 (CLCNKB recombination region; plus strand). Cytogenetic location: 1p36.13.
Variant type: single nucleotide variant.
Coding change: c.774C>A on transcript NM_000085.5 (MANE Select); coding-DNA position 774, C replaced by A.
Protein change: p.Ser258Arg; replaces serine 258 with arginine.
Molecular consequence: missense variant.
Genome position (GRCh38, 1-based): chr1:16,049,238, C>A. VCF-style: chr1-16049238-C-A. GRCh37 (hg19) VCF-style: chr1-16375733-C-A.
Other names: c.267C>A, p.Ser89Arg (NM_001165945.2); short protein forms S258R, S89R.
Identifiers: ClinVar variation 1399022 (VCV001399022.6), dbSNP rs1200797674, ClinGen allele CA338637609.

ClinVar aggregate classification (germline): Uncertain significance (1 of 4 stars; one submission).

gnomAD v4.1: 6 of 1,613,790 alleles (0.00037%); highest among the groups gnomAD compares: Non-Finnish European, 0.00042%; no homozygotes.

Submission:

Labcorp Genetics (formerly Invitae), Labcorp
Classification: Uncertain significance. Last evaluated: 2022-03-22. Review status: criteria provided, single submitter. Criteria: Invitae Variant Classification Sherloc (09022015). Collection method: clinical testing. Allele origin: germline.
Comment: In summary, the available evidence is currently insufficient to determine the role of this variant in disease. Therefore, it has been classified as a Variant of Uncertain Significance. Advanced modeling of protein sequence and biophysical properties (such as structural, functional, and spatial information, amino acid conservation, physicochemical variation, residue mobility, and thermodynamic stability) performed at Invitae indicates that this missense variant is not expected to disrupt CLCNKB protein function. This variant has not been reported in the literature in individuals affected with CLCNKB-related conditions. This variant is present in population databases (no rsID available, gnomAD 0.0009%). This sequence change replaces serine, which is neutral and polar, with arginine, which is basic and polar, at codon 258 of the CLCNKB protein (p.Ser258Arg).